The following is an entry in ClinVar:

ClinVar aggregate classification (germline): Pathogenic (1 of 4 stars; one submission).

Conditions:
Hereditary pheochromocytoma and paraganglioma. Also called: Hereditary pheochromocytoma-paraganglioma; Hereditary paragangliomas and pheochromocytomas; Hereditary Paraganglioma-Pheochromocytoma Syndromes. Identifiers: Orphanet 29072, MedGen C4274332, MONDO:0017366.

Submission:

Labcorp Genetics (formerly Invitae), Labcorp
Classification: Pathogenic for Hereditary pheochromocytoma and paraganglioma. Last evaluated: 2019-02-25. Review status: criteria provided, single submitter. Criteria: Invitae Variant Classification Sherloc (09022015). Collection method: clinical testing. Allele origin: germline.
Comment: This variant is not present in population databases (ExAC no frequency). For these reasons, this variant has been classified as Pathogenic. This variant disrupts the C-terminus of the TMEM127 protein. Other variant(s) that disrupt this region (p.Gln157*, p.Gln159*) have been determined to be pathogenic (PMID: 22419703, 20154675, Invitae). This suggests that variants that disrupt this region of the protein are likely to be causative of disease. This variant has not been reported in the literature in individuals with TMEM127-related conditions. This sequence change results in a premature translational stop signal in the TMEM127 gene (p.Tyr129Leufs*24). While this is not anticipated to result in nonsense mediated decay, it is expected to disrupt the last 110 amino acids of the TMEM127 protein.

Literature cited by the submitters: PubMed 22419703; PubMed 20154675.

NM_017849.4(TMEM127):c.383dup (p.Tyr129fs)

Gene: TMEM127 (transmembrane protein 127; minus strand). Cytogenetic location: 2q11.2.
Variant type: Duplication.
Coding change: c.383dup on transcript NM_017849.4 (MANE Select); coding-DNA position 383, one base duplicated (G; older notation c.383dupG).
Protein change: p.Tyr129fs; shifts the reading frame from tyrosine 129.
Molecular consequence: frameshift variant.
Genome position (GRCh38, 1-based): chr2:96,254,859, C duplicated on the plus strand (G on the coding strand, the reverse complement: TMEM127 is on the minus strand). VCF-style (leftmost placement, unchanged base first): chr2-96254858-G-GC. GRCh37 (hg19) VCF-style: chr2-96920596-G-GC.
Other names: c.383dup, p.Tyr129fs (NM_001193304.3); short protein forms Y129fs.
Identifiers: ClinVar variation 851041 (VCV000851041.9), dbSNP rs1684169157, ClinGen allele CA916081311.